The following is an entry in ClinVar:

ClinVar aggregate classification (germline): Benign (0 of 4 stars; one submission).

Conditions:
Huntington disease (HD). Also called: Huntington's chorea; Huntington's disease; HUNTINGTON CHOREA. Identifiers: Orphanet 248111, Orphanet 399, MedGen C0020179, MONDO:0007739, OMIM 143100.

Submission:

GeneReviews
Classification: Benign for Huntington Disease. Last evaluated: 2010-04-22. Review status: no assertion criteria provided. Collection method: curation. Allele origin: unknown.
ClinVar note: Converted during submission from benign to Benign.

NM_002111.8(HTT):c.52CAG[?_25]

Genes: HTT (huntingtin; plus strand), LOC109461479 (huntingtin repeat instability region; plus strand), LOC129929027 (ATAC-STARR-seq lymphoblastoid silent region 15199; plus strand). Cytogenetic location: 4p16.3.
Variant type: Microsatellite.
Coding change: c.52CAG[?_25] on transcript NM_002111.8.
Identifiers: ClinVar variation 21303 (VCV000021303.3).